The following is an entry in ClinVar:

NM_006231.4(POLE):c.5763C>G (p.Asn1921Lys)

Gene: POLE (DNA polymerase epsilon, catalytic subunit; minus strand). Cytogenetic location: 12q24.33.
Variant type: single nucleotide variant.
Coding change: c.5763C>G on transcript NM_006231.4 (MANE Select); coding-DNA position 5763, C replaced by G.
Protein change: p.Asn1921Lys; replaces asparagine 1921 with lysine.
Molecular consequence: missense variant.
Genome position (GRCh38, 1-based): chr12:132,635,940, G>C on the plus strand (C>G on the coding strand, the complement: POLE is on the minus strand). VCF-style: chr12-132635940-G-C. GRCh37 (hg19) VCF-style: chr12-133212526-G-C.
Other names: short protein forms N1921K.
Identifiers: ClinVar variation 473762 (VCV000473762.9), dbSNP rs113976595, ClinGen allele CA387372932.

ClinVar aggregate classification (germline): Uncertain significance. Review status: criteria provided, multiple submitters, no conflicts (2 of 4 stars). 2 submissions from 2 submitters: Uncertain significance (2). Last evaluated 2024-11-26.

Conditions:
Hereditary cancer-predisposing syndrome. Also called: Neoplastic Syndromes, Hereditary; Tumor predisposition; Hereditary Cancer Syndrome; Hereditary neoplastic syndrome. Identifiers: Orphanet 140162, MedGen C0027672, MeSH D009386, MONDO:0015356.

Submissions (2):

Labcorp Genetics (formerly Invitae), Labcorp
Classification: Uncertain significance. Last evaluated: 2024-11-26. Review status: criteria provided, single submitter. Criteria: Invitae Variant Classification Sherloc (09022015). Collection method: clinical testing. Allele origin: germline.
Comment: This sequence change replaces asparagine, which is neutral and polar, with lysine, which is basic and polar, at codon 1921 of the POLE protein (p.Asn1921Lys). This variant is not present in population databases (gnomAD no frequency). This variant has not been reported in the literature in individuals affected with POLE-related conditions. ClinVar contains an entry for this variant (Variation ID: 473762). Invitae Evidence Modeling of protein sequence and biophysical properties (such as structural, functional, and spatial information, amino acid conservation, physicochemical variation, residue mobility, and thermodynamic stability) indicates that this missense variant is expected to disrupt POLE protein function with a positive predictive value of 80%. In summary, the available evidence is currently insufficient to determine the role of this variant in disease. Therefore, it has been classified as a Variant of Uncertain Significance.

Ambry Genetics
Classification: Uncertain significance for Hereditary cancer-predisposing syndrome. Last evaluated: 2022-06-20. Review status: criteria provided, single submitter. Criteria: Ambry Variant Classification Scheme 2023. Collection method: clinical testing. Allele origin: germline.
Comment: The p.N1921K variant (also known as c.5763C>G), located in coding exon 42 of the POLE gene, results from a C to G substitution at nucleotide position 5763. The asparagine at codon 1921 is replaced by lysine, an amino acid with similar properties. This amino acid position is conserved. In addition, this alteration is predicted to be tolerated by in silico analysis. Since supporting evidence is limited at this time, the clinical significance of this alteration remains unclear.